The following is an entry in ClinVar:

NM_003073.5(SMARCB1):c.578T>C (p.Met193Thr)

Gene: SMARCB1 (SWI/SNF related BAF chromatin remodeling complex subunit B1; plus strand). Cytogenetic location: 22q11.23.
Variant type: single nucleotide variant.
Coding change: c.578T>C on transcript NM_003073.5 (MANE Select); coding-DNA position 578, T replaced by C.
Protein change: p.Met193Thr; replaces methionine 193 with threonine.
Molecular consequence: missense variant.
Genome position (GRCh38, 1-based): chr22:23,803,372, T>C. VCF-style: chr22-23803372-T-C. GRCh37 (hg19) VCF-style: chr22-24145559-T-C.
Other names: c.551T>C, p.Met184Thr (NM_001007468.3); c.605T>C, p.Met202Thr (NM_001317946.2); c.632T>C, p.Met211Thr (NM_001362877.2); short protein forms M193T, M184T, M202T, M211T.
Identifiers: ClinVar variation 3018050 (VCV003018050.3), dbSNP rs2517684325, ClinGen allele CA410935841.
Genomic context (GRCh38, chr22:23,803,372, plus strand): 5'-CAGCTGTGATCCATGAGAACGCATCTCAGCCCGAGGTGCTGGTCCCCATCCGGCTGGACA[T>C]GGAGATCGATGGGCAGAAGCTGCGAGACGCCTTCACCTGGAACATGAATGGTACAAGGCA-3'
Protein context (NP_003064.2, residues 183-203): PEVLVPIRLD[Met193Thr]EIDGQKLRDA

ClinVar aggregate classification (germline): Uncertain significance (1 of 4 stars; one submission).

Submission:

Labcorp Genetics (formerly Invitae), Labcorp
Classification: Uncertain significance. Last evaluated: 2025-11-10. Review status: criteria provided, single submitter. Criteria: Invitae Variant Classification Sherloc (09022015). Collection method: clinical testing. Allele origin: germline.
Comment: This sequence change replaces methionine, which is neutral and non-polar, with threonine, which is neutral and polar, at codon 193 of the SMARCB1 protein (p.Met193Thr). This variant is not present in population databases (gnomAD no frequency). This variant has not been reported in the literature in individuals affected with SMARCB1-related conditions. ClinVar contains an entry for this variant (Variation ID: 3018050). Invitae Evidence Modeling of protein sequence and biophysical properties (such as structural, functional, and spatial information, amino acid conservation, physicochemical variation, residue mobility, and thermodynamic stability) indicates that this missense variant is expected to disrupt SMARCB1 protein function with a positive predictive value of 80%. In summary, the available evidence is currently insufficient to determine the role of this variant in disease. Therefore, it has been classified as a Variant of Uncertain Significance.